The following is an entry in ClinVar:

NM_000038.6(APC):c.5571del (p.Arg1858fs)

Gene: APC (APC regulator of Wnt signaling pathway; plus strand). Cytogenetic location: 5q22.2.
Variant type: Deletion.
Coding change: c.5571del on transcript NM_000038.6 (MANE Select); coding-DNA position 5571, one base deleted (A; older notation c.5571delA).
Protein change: p.Arg1858fs; shifts the reading frame from arginine 1858.
Molecular consequence: frameshift variant. On other transcripts: non-coding transcript variant (2).
Genome position (GRCh38, 1-based): chr5:112,841,165, A deleted. VCF-style (leftmost placement, unchanged base first): chr5-112841164-CA-C. GRCh37 (hg19) VCF-style: chr5-112176861-CA-C.
Other names: c.5193del, p.Arg1732fs (NM_001354904.2); c.5091del, p.Arg1698fs (NM_001354905.2); c.4722del, p.Arg1575fs (NM_001354906.2, NM_001407470.1); c.5655del, p.Arg1886fs (NM_001407446.1); c.5625del, p.Arg1876fs (NM_001407447.1, NM_001407448.1, NM_001407449.1 and 1 more transcripts); c.5571del, p.Arg1858fs (NM_001407450.1, NM_001354895.2, NM_001127510.3); c.5550del, p.Arg1851fs (NM_001407451.1); c.5541del, p.Arg1848fs (NM_001407452.1); and 11 more; short protein forms R1698fs, R1757fs, R1775fs, R1840fs, R1886fs, R1575fs, R1729fs, R1833fs.
Identifiers: ClinVar variation 5025788 (VCV005025788.1).

ClinVar aggregate classification (germline): Likely pathogenic (1 of 4 stars; one submission).

Conditions:
Hereditary cancer-predisposing syndrome. Also called: Neoplastic Syndromes, Hereditary; Tumor predisposition; Hereditary neoplastic syndrome; Hereditary Cancer Syndrome. Identifiers: Orphanet 140162, MedGen C0027672, MeSH D009386, MONDO:0015356.

Submission:

Ambry Genetics
Classification: Likely pathogenic for Hereditary cancer-predisposing syndrome. Last evaluated: 2026-08-20. Review status: criteria provided, single submitter. Criteria: Ambry Variant Classification Scheme 2023. Collection method: clinical testing. Allele origin: germline.
Comment: The c.5571delA variant, located in coding exon 15 of the APC gene, results from a deletion of one nucleotide at nucleotide position 5571, causing a translational frameshift with a predicted alternate stop codon (p.R1858Efs*5). This variant occurs at the 3' terminus of the gene, is not expected to trigger nonsense-mediated mRNA decay, and impacts the last 35% of the protein. However, premature stop codons are typically deleterious in nature, and a significant portion of the protein is affected (Ambry internal data). This variant is considered to be rare based on population cohorts in the Genome Aggregation Database (gnomAD). Based on the majority of available evidence to date, this variant is likely to be pathogenic.